The following is an entry in ClinVar:

ClinVar aggregate classification (germline): Benign (1 of 4 stars; one submission).

Allele frequency attached by ClinVar (database versions not stated): gnomAD 0.36567; TOPMed 0.37987; 1000 Genomes Project 30x 0.40646; 1000 Genomes Project 0.40775.
gnomAD v4.1: 56,160 of 151,886 alleles (37%); highest among the groups gnomAD compares: East Asian, 58%; 10,589 homozygotes.

Submission:

GeneDx
Classification: Benign. Last evaluated: 2018-06-14. Review status: criteria provided, single submitter. Criteria: GeneDx Variant Classification (06012015). Collection method: clinical testing. Allele origin: germline. Affected: yes.
Comment: This variant is considered likely benign or benign based on one or more of the following criteria: it is a conservative change, it occurs at a poorly conserved position in the protein, it is predicted to be benign by multiple in silico algorithms, and/or has population frequency not consistent with disease.

NM_001291303.3(FAT4):c.13084+219A>T

Gene: FAT4 (FAT atypical cadherin 4; plus strand). Cytogenetic location: 4q28.1.
Variant type: single nucleotide variant.
Coding change: c.13084+219A>T on transcript NM_001291303.3 (MANE Select); 219 bases into the intron after coding-DNA position 13084, A replaced by T.
Molecular consequence: intron variant.
Genome position (GRCh38, 1-based): chr4:125,487,825, A>T. VCF-style: chr4-125487825-A-T. GRCh37 (hg19) VCF-style: chr4-126408980-A-T.
Other names: c.13084+219A>T (NM_001291285.3); c.13078+219A>T (NM_024582.6).
Identifiers: ClinVar variation 680157 (VCV000680157.1), dbSNP rs1395237, ClinGen allele CA11700231.